The following is an entry in ClinVar:

ClinVar aggregate classification (germline): Uncertain significance (1 of 4 stars; one submission).

Conditions:
Immunodeficiency 14 (IMD14A). Also called: p110-DELTA-ACTIVATING MUTATION CAUSING SENESCENT T CELLS, LYMPHADENOPATHY, AND IMMUNODEFICIENCY; Activated PI3K Delta Syndrome Type 1 (APDS1); ACTIVATED PI3K-DELTA SYNDROME 1; IMMUNODEFICIENCY 14A WITH LYMPHOPROLIFERATION, AUTOSOMAL DOMINANT. Identifiers: Orphanet 397596, Orphanet 693661, MedGen C5907821, MONDO:0014222, OMIM 615513.

Submission:

Labcorp Genetics (formerly Invitae), Labcorp
Classification: Uncertain significance for Immunodeficiency 14. Last evaluated: 2019-06-25. Review status: criteria provided, single submitter. Criteria: Invitae Variant Classification Sherloc (09022015). Collection method: clinical testing. Allele origin: germline.
Comment: A gross deletion of the genomic region encompassing the full coding sequence of the PIK3CD gene has been identified. The boundaries of this event are unknown as the deletion extends beyond the assayed region for this gene and therefore may encompass additional genes. This variant has not been reported in the literature in individuals with PIK3CD-related conditions. The current clinical and genetic evidence is not sufficient to establish whether loss-of-function variants in PIK3CD cause disease. In summary, the available evidence is currently insufficient to determine the role of this variant in disease. Therefore, it has been classified as a Variant of Uncertain Significance.

NC_000001.10:g.(?_9770494)_(10690064_?)del

Genes: CENPS (centromere protein S; plus strand), CENPS-CORT (CENPS-CORT readthrough; plus strand), CLSTN1 (calsyntenin 1; minus strand), CORT (cortistatin; plus strand), CTNNBIP1 (catenin beta interacting protein 1; minus strand) and 9 more. Cytogenetic location: 1p36.22.
Variant type: Deletion.
Identifiers: ClinVar variation 831335 (VCV000831335.1).